The following is an entry in ClinVar:

NM_025074.7(FRAS1):c.8958+2T>C

Gene: FRAS1 (Fraser extracellular matrix complex subunit 1; plus strand). Cytogenetic location: 4q21.21.
Variant type: single nucleotide variant.
Coding change: c.8958+2T>C on transcript NM_025074.7 (MANE Select); the canonical splice donor site of the intron after coding-DNA position 8958, T replaced by C.
Molecular consequence: splice donor variant.
Genome position (GRCh38, 1-based): chr4:78,489,082, T>C. VCF-style: chr4-78489082-T-C. GRCh37 (hg19) VCF-style: chr4-79410236-T-C.
Identifiers: ClinVar variation 2781247 (VCV002781247.4), dbSNP rs1720262997, ClinGen allele CA357375884.

ClinVar aggregate classification (germline): Likely pathogenic. Review status: criteria provided, multiple submitters, no conflicts (2 of 4 stars). 2 submissions from 2 submitters: Likely pathogenic (2). Last evaluated 2023-11-05.

Conditions:
FRAS1-related disorder. Also called: FRAS1-related condition.

Allele frequency attached by ClinVar (database versions not stated): TOPMed below 0.00001.

Submissions (2):

Labcorp Genetics (formerly Invitae), Labcorp
Classification: Likely pathogenic. Last evaluated: 2023-11-05. Review status: criteria provided, single submitter. Criteria: Invitae Variant Classification Sherloc (09022015). Collection method: clinical testing. Allele origin: germline.
Comment: This sequence change affects a donor splice site in intron 59 of the FRAS1 gene. It is expected to disrupt RNA splicing. Variants that disrupt the donor or acceptor splice site typically lead to a loss of protein function (PMID: 16199547), and loss-of-function variants in FRAS1 are known to be pathogenic (PMID: 12766769, 18671281). This variant is not present in population databases (gnomAD no frequency). This variant has not been reported in the literature in individuals affected with FRAS1-related conditions. Algorithms developed to predict the effect of sequence changes on RNA splicing suggest that this variant may disrupt the consensus splice site. In summary, the currently available evidence indicates that the variant is pathogenic, but additional data are needed to prove that conclusively. Therefore, this variant has been classified as Likely Pathogenic.

Blueprint Genetics
Classification: Likely pathogenic for FRAS1-related disorders. Last evaluated: 2021-05-27. Review status: criteria provided, single submitter. Criteria: ACMG Guidelines, 2015. Collection method: clinical testing. Allele origin: germline. Affected: yes. Observed: 2 variant alleles.

Literature cited by the submitters: PubMed 16199547 (cited by Labcorp Genetics (formerly Invitae), Labcorp); PubMed 12766769 (cited by Labcorp Genetics (formerly Invitae), Labcorp); PubMed 18671281 (cited by Labcorp Genetics (formerly Invitae), Labcorp).